The following is an entry in ClinVar:

NM_000747.3(CHRNB1):c.557G>A (p.Gly186Asp)

Gene: CHRNB1 (cholinergic receptor nicotinic beta 1 subunit; plus strand). Cytogenetic location: 17p13.1.
Variant type: single nucleotide variant.
Coding change: c.557G>A on transcript NM_000747.3 (MANE Select); coding-DNA position 557, G replaced by A.
Protein change: p.Gly186Asp; replaces glycine 186 with aspartic acid.
Molecular consequence: missense variant.
Genome position (GRCh38, 1-based): chr17:7,447,597, G>A. VCF-style: chr17-7447597-G-A. GRCh37 (hg19) VCF-style: chr17-7350916-G-A.
Other names: short protein forms G186D.
Identifiers: ClinVar variation 2061443 (VCV002061443.4), dbSNP rs1057285322, ClinGen allele CA287424802.

ClinVar aggregate classification (germline): Uncertain significance (1 of 4 stars; one submission).

Conditions:
Congenital myasthenic syndrome 2A. Also called: Myasthenic syndrome, congenital, 2a, slow-channel. Identifiers: Orphanet 590, MedGen C4225374, MONDO:0014581, OMIM 616313.

Allele frequency attached by ClinVar (database versions not stated): gnomAD exomes below 0.00001; gnomAD 0.00001; TOPMed 0.00003.
gnomAD v4.1: 5 of 1,614,104 alleles (0.00031%); highest among the groups gnomAD compares: African/African-American, 0.0067%; no homozygotes.

Submission:

Labcorp Genetics (formerly Invitae), Labcorp
Classification: Uncertain significance for Congenital myasthenic syndrome 2A. Last evaluated: 2022-09-28. Review status: criteria provided, single submitter. Criteria: Invitae Variant Classification Sherloc (09022015). Collection method: clinical testing. Allele origin: germline.
Comment: In summary, the available evidence is currently insufficient to determine the role of this variant in disease. Therefore, it has been classified as a Variant of Uncertain Significance. Advanced modeling of protein sequence and biophysical properties (such as structural, functional, and spatial information, amino acid conservation, physicochemical variation, residue mobility, and thermodynamic stability) performed at Invitae indicates that this missense variant is not expected to disrupt CHRNB1 protein function. This variant has not been reported in the literature in individuals affected with CHRNB1-related conditions. The frequency data for this variant in the population databases is considered unreliable, as metrics indicate poor data quality at this position in the gnomAD database. This sequence change replaces glycine, which is neutral and non-polar, with aspartic acid, which is acidic and polar, at codon 186 of the CHRNB1 protein (p.Gly186Asp).